The following is an entry in ClinVar:

ClinVar aggregate classification (germline): Pathogenic/Likely pathogenic. Review status: criteria provided, multiple submitters, no conflicts (2 of 4 stars). 5 submissions from 5 submitters: Pathogenic (4); Likely pathogenic (1). Last evaluated 2025-04-29.
ClinVar aggregate classification (oncogenicity): Likely oncogenic (1 of 4 stars; one submission).

Conditions:
Wiedemann-Steiner syndrome (WDSTS). Also called: Growth deficiency and mental retardation with facial dysmorphism. Identifiers: Orphanet 319182, MedGen C1854630, MONDO:0011518, OMIM 605130.
Neoplasm. Also called: tumor; Neoplasms; Neoplasm (disease). Identifiers: MedGen C0027651, MeSH D009369, MONDO:0005070, HP:0002664.

Submissions (6):

Center for Genomic Medicine, Rigshospitalet, Copenhagen University Hospital
Classification: Likely oncogenic for Neoplasm. Last evaluated: 2025-12-29. Review status: criteria provided, single submitter. Criteria: ClinGen/CGC/VICC Guidelines for Oncogenicity, 2022. Collection method: clinical testing. Allele origin: somatic. Affected: yes.

Victorian Clinical Genetics Services, Murdoch Childrens Research Institute
Classification: Pathogenic for Wiedemann-Steiner syndrome. Last evaluated: 2025-04-29. Review status: criteria provided, single submitter. Criteria: ACMG Guidelines, 2015. Collection method: clinical testing. Allele origin: germline. Affected: yes.
Comment: This variant is classified as Pathogenic. Evidence in support of pathogenic classification: Variant is predicted to cause nonsense-mediated decay (NMD) and loss of protein (premature termination codon is located at least 54 nucleotides upstream of the final exon-exon junction); Variant is absent from gnomAD (v2, v3 and v4); This variant has moderate previous evidence of pathogenicity in unrelated individuals. It has been classified as likely pathogenic/pathogenic by clinical testing laboratories (ClinVar); Other premature termination variant(s) comparable to the one identified in this case have very strong previous evidence for pathogenicity. Many NMD-predicted variants in this gene have been classified as likely pathogenic/pathogenic (ClinVar). Additional information: This variant is heterozygous; This gene is associated with autosomal dominant disease; Loss of function is a known mechanism of disease in this gene and is associated with Wiedemann-Steiner syndrome (MIM#605130); Parental origin of the variant is unresolved.

Genetics Laboratory, UDIAT-Centre Diagnòstic, Hospital Universitari Parc Tauli
Classification: Pathogenic for Wiedemann-Steiner syndrome. Last evaluated: 2023-07-11. Review status: criteria provided, single submitter. Criteria: ACMG Guidelines, 2015. Collection method: clinical testing. Allele origin: unknown. Inheritance: Autosomal dominant inheritance. Affected: yes.
Comment: PVS1_very strong;PS2_strong;PS4_supporting;PM2_supporting

GeneDx
Classification: Pathogenic. Last evaluated: 2022-11-12. Review status: criteria provided, single submitter. Criteria: GeneDx Variant Classification Process June 2021. Collection method: clinical testing. Allele origin: germline. Affected: yes.
Comment: Nonsense variant predicted to result in protein truncation or nonsense mediated decay in a gene for which loss of function is a known mechanism of disease; Not observed at significant frequency in large population cohorts (gnomAD); This variant is associated with the following publications: (PMID: 25533962, 28191890, 28135719, 31785789, 29276005)

Laboratorio de Genetica e Diagnostico Molecular, Hospital Israelita Albert Einstein
Classification: Likely pathogenic. Last evaluated: 2021-04-06. Review status: criteria provided, single submitter. Criteria: ACMG Guidelines, 2015. Collection method: clinical testing. Allele origin: germline. Affected: yes.
Comment: ACMG classification criteria: PVS1, PM2

CeGaT Center for Human Genetics Tuebingen
Classification: Pathogenic. Last evaluated: 2021-01-01. Review status: criteria provided, single submitter. Criteria: CeGaT Center For Human Genetics Tuebingen Variant Classification Criteria Version 2. Collection method: clinical testing. Allele origin: germline. Affected: yes. Observed: 1 variant allele.

NM_001197104.2(KMT2A):c.6571C>T (p.Arg2191Ter)

Gene: KMT2A (lysine methyltransferase 2A; plus strand). Cytogenetic location: 11q23.3.
Variant type: single nucleotide variant.
Coding change: c.6571C>T on transcript NM_001197104.2 (MANE Select); coding-DNA position 6571, C replaced by T.
Protein change: p.Arg2191Ter; replaces arginine 2191 with a stop codon.
Molecular consequence: nonsense.
Genome position (GRCh38, 1-based): chr11:118,502,463, C>T. VCF-style: chr11-118502463-C-T. GRCh37 (hg19) VCF-style: chr11-118373178-C-T.
Other names: c.6562C>T, p.Arg2188Ter (NM_005933.4); short protein forms R2191*, R2188*.
Identifiers: ClinVar variation 523900 (VCV000523900.47), dbSNP rs200497972, ClinGen allele CA382802250.